The following is an entry in ClinVar:

NM_006939.4(SOS2):c.3716T>C (p.Leu1239Pro)

Gene: SOS2 (SOS Ras/Rho guanine nucleotide exchange factor 2; minus strand). Cytogenetic location: 14q21.3.
Variant type: single nucleotide variant.
Coding change: c.3716T>C on transcript NM_006939.4 (MANE Select); coding-DNA position 3716, T replaced by C.
Protein change: p.Leu1239Pro; replaces leucine 1239 with proline.
Molecular consequence: missense variant.
Genome position (GRCh38, 1-based): chr14:50,118,627, A>G on the plus strand (T>C on the coding strand, the complement: SOS2 is on the minus strand). VCF-style: chr14-50118627-A-G. GRCh37 (hg19) VCF-style: chr14-50585345-A-G.
Other names: c.3617T>C, p.Leu1206Pro (NM_001411020.1); short protein forms L1206P, L1239P.
Identifiers: ClinVar variation 3959862 (VCV003959862.1).
Genomic context (GRCh38, chr14:50,118,627, plus strand): 5'-GGCGAATTTGGACACGTACTAATGTCTCTGAGCCAGTCTGAATCTCTGTGAAGATGCCCC[A>G]GTGGAGGTGGCTGAAGATTAAATGGACAGTTTATAAAGTGTTCTGGAGGCCGAAGGGGAA-3'
Protein context (NP_008870.2, residues 1229-1249): NCPFNLQPPP[Leu1239Pro]GHLHRDSDWL

ClinVar aggregate classification (germline): Uncertain significance (1 of 4 stars; one submission).

Conditions:
Cardiovascular phenotype. Identifiers: MedGen CN230736.

gnomAD v4.1: 1 of 1,613,962 alleles (0.000062%); highest among the groups gnomAD compares: East Asian, 0.0022%; no homozygotes.

Submission:

Ambry Genetics
Classification: Uncertain significance for Cardiovascular phenotype. Last evaluated: 2025-04-13. Review status: criteria provided, single submitter. Criteria: Ambry Variant Classification Scheme 2023. Collection method: clinical testing. Allele origin: germline.
Comment: The p.L1239P variant (also known as c.3716T>C), located in coding exon 23 of the SOS2 gene, results from a T to C substitution at nucleotide position 3716. The leucine at codon 1239 is replaced by proline, an amino acid with similar properties. This amino acid position is conserved. In addition, this alteration is predicted to be tolerated by in silico analysis. Based on the available evidence, the clinical significance of this variant remains unclear.